The following is an entry in ClinVar:

ClinVar aggregate classification (germline): Uncertain significance. Review status: criteria provided, multiple submitters, no conflicts (2 of 4 stars). 2 submissions from 2 submitters: Uncertain significance (2). Last evaluated 2026-01-13.

Conditions:
Dilated cardiomyopathy 1JJ (CMD1JJ). Identifiers: Orphanet 154, MedGen C3808935, MONDO:0014095, OMIM 615235.
Cardiovascular phenotype. Identifiers: MedGen CN230736.

Allele frequency attached by ClinVar (database versions not stated): gnomAD exomes below 0.00001.
gnomAD v4.1: 2 of 1,614,152 alleles (0.00012%); highest among the groups gnomAD compares: Non-Finnish European, 0.00017%; no homozygotes.

Submissions (2):

Labcorp Genetics (formerly Invitae), Labcorp
Classification: Uncertain significance for Dilated cardiomyopathy 1JJ. Last evaluated: 2026-01-13. Review status: criteria provided, single submitter. Criteria: Invitae Variant Classification Sherloc (09022015). Collection method: clinical testing. Allele origin: germline.
Comment: This sequence change replaces alanine, which is neutral and non-polar, with aspartic acid, which is acidic and polar, at codon 1041 of the LAMA4 protein (p.Ala1041Asp). This variant is not present in population databases (gnomAD no frequency). This variant has not been reported in the literature in individuals affected with LAMA4-related conditions. ClinVar contains an entry for this variant (Variation ID: 2721917). Invitae Evidence Modeling of protein sequence and biophysical properties (such as structural, functional, and spatial information, amino acid conservation, physicochemical variation, residue mobility, and thermodynamic stability) indicates that this missense variant is not expected to disrupt LAMA4 protein function with a negative predictive value of 80%. In summary, the available evidence is currently insufficient to determine the role of this variant in disease. Therefore, it has been classified as a Variant of Uncertain Significance.

Ambry Genetics
Classification: Uncertain significance for Cardiovascular phenotype. Last evaluated: 2025-07-28. Review status: criteria provided, single submitter. Criteria: Ambry Variant Classification Scheme 2023. Collection method: clinical testing. Allele origin: germline.
Comment: The p.A1041D variant (also known as c.3122C>A), located in coding exon 23 of the LAMA4 gene, results from a C to A substitution at nucleotide position 3122. The alanine at codon 1041 is replaced by aspartic acid, an amino acid with dissimilar properties. This amino acid position is conserved. In addition, this alteration is predicted to be tolerated by in silico analysis. Based on the available evidence, the clinical significance of this variant remains unclear.

NM_001105206.3(LAMA4):c.3143C>A (p.Ala1048Asp)

Gene: LAMA4 (laminin subunit alpha 4; minus strand). Cytogenetic location: 6q21.
Variant type: single nucleotide variant.
Coding change: c.3143C>A on transcript NM_001105206.3 (MANE Select); coding-DNA position 3143, C replaced by A.
Protein change: p.Ala1048Asp; replaces alanine 1048 with aspartic acid.
Molecular consequence: missense variant.
Genome position (GRCh38, 1-based): chr6:112,139,259, G>T on the plus strand (C>A on the coding strand, the complement: LAMA4 is on the minus strand). VCF-style: chr6-112139259-G-T. GRCh37 (hg19) VCF-style: chr6-112460461-G-T.
Other names: c.3122C>A, p.Ala1041Asp (NM_001105207.3, NM_002290.5); short protein forms A1048D, A1041D.
Identifiers: ClinVar variation 2721917 (VCV002721917.4), dbSNP rs1779539441, ClinGen allele CA365379102.
Genomic context (GRCh38, chr6:112,139,259, plus strand): 5'-TTCCCTCTCCTTGTGATGTCTCTCACCACGGCATAACCGGAGCCATCGAAGAAGTAACTG[G>T]CAGCCCGACTCTGAGTGAAGGCCAGCTTATCTCTGAAATGGAAACACAACGGTCATTTGA-3'
Protein context (NP_001098676.2, residues 1038-1058): DKLAFTQSRA[Ala1048Asp]SYFFDGSGYA